The following is an entry in ClinVar:

NM_000748.3(CHRNB2):c.210+10G>A

Gene: CHRNB2 (cholinergic receptor nicotinic beta 2 subunit; plus strand). Cytogenetic location: 1q21.3.
Variant type: single nucleotide variant.
Coding change: c.210+10G>A on transcript NM_000748.3 (MANE Select); 10 bases into the intron after coding-DNA position 210, G replaced by A.
Molecular consequence: intron variant.
Genome position (GRCh38, 1-based): chr1:154,569,617, G>A. VCF-style: chr1-154569617-G-A. GRCh37 (hg19) VCF-style: chr1-154542093-G-A.
Identifiers: ClinVar variation 700543 (VCV000700543.12), dbSNP rs200196583, ClinGen allele CA1130645.
Genomic context (GRCh38, chr1:154,569,617, plus strand): 5'-GAGCTGGTGACAGTACAGCTTATGGTGTCACTGGCCCAGCTCATCAGTGTGGTGAGTAGA[G>A]GTCCCAGGCTCTCTGCCCAGCTACTGAAATCAGCCCCGCCAAAATGTGTTAATGCTTGTG-3'

ClinVar aggregate classification (germline): Likely benign. Review status: criteria provided, multiple submitters, no conflicts (2 of 4 stars). 3 submissions from 3 submitters: Likely benign (2). 1 of the submissions does not count toward it. Last evaluated 2025-12-22.

Conditions:
CHRNB2-related disorder. Also called: CHRNB2-related condition.
Familial sleep-related hypermotor epilepsy. Also called: Autosomal Dominant Sleep-Related Hypermotor (Hyperkinetic) Epilepsy. Identifiers: Orphanet 98784, MedGen C3696898, MONDO:0000030.

Allele frequency attached by ClinVar (database versions not stated): ExAC 0.00004; gnomAD exomes 0.00004; gnomAD 0.00005; TOPMed 0.00005; ESP Exome Variant Server 0.00023.
gnomAD v4.1: 83 of 1,613,952 alleles (0.0051%); highest among the groups gnomAD compares: Non-Finnish European, 0.0066%; no homozygotes.

Submissions (3):

Labcorp Genetics (formerly Invitae), Labcorp
Classification: Likely benign. Last evaluated: 2025-12-22. Review status: criteria provided, single submitter. Criteria: Invitae Variant Classification Sherloc (09022015). Collection method: clinical testing. Allele origin: germline.

Blueprint Genetics
Classification: Likely benign. Last evaluated: 2023-11-21. Review status: criteria provided, single submitter. Criteria: ACMG Guidelines, 2015. Collection method: clinical testing. Allele origin: germline.

PreventionGenetics, part of Exact Sciences
Classification: Likely benign for CHRNB2-related condition. Last evaluated: 2019-08-06. Review status: no assertion criteria provided. Collection method: clinical testing. Allele origin: germline. Not counted in ClinVar's aggregate classification.
Comment: This variant is classified as likely benign based on ACMG/AMP sequence variant interpretation guidelines (Richards et al. 2015 PMID: 25741868, with internal and published modifications).